The following is an entry in ClinVar:

NM_000070.3(CAPN3):c.1525G>T (p.Val509Phe)

Gene: CAPN3 (calpain 3; plus strand). Cytogenetic location: 15q15.1.
Variant type: single nucleotide variant.
Coding change: c.1525G>T on transcript NM_000070.3 (MANE Select); coding-DNA position 1525, G replaced by T.
Protein change: p.Val509Phe; replaces valine 509 with phenylalanine.
Molecular consequence: missense variant.
Genome position (GRCh38, 1-based): chr15:42,402,124, G>T. VCF-style: chr15-42402124-G-T. GRCh37 (hg19) VCF-style: chr15-42694322-G-T.
Other names: c.1525G>T, p.Val509Phe (NM_024344.2); c.1381G>T, p.Val461Phe (NM_173087.2); short protein forms V461F, V509F.
Identifiers: ClinVar variation 863674 (VCV000863674.8), dbSNP rs1409503203, ClinGen allele CA392000030.

ClinVar aggregate classification (germline): Likely pathogenic. Review status: criteria provided, multiple submitters, no conflicts (2 of 4 stars). 2 submissions from 2 submitters: Likely pathogenic (2). Last evaluated 2024-10-30.

Conditions:
Autosomal recessive limb-girdle muscular dystrophy type 2A (LGMDR1). Also called: LEYDEN-MOEBIUS MUSCULAR DYSTROPHY; MUSCULAR DYSTROPHY, PELVOFEMORAL; Limb-girdle muscular dystrophy, type 2A; Calpainopathy; Muscular dystrophy, limb-girdle, type 2A, Amish. Identifiers: Orphanet 267, MedGen C1869123, MONDO:0009675, OMIM 253600. Disease mechanism: loss of function.
Muscular dystrophy, limb-girdle, autosomal dominant 4. Also called: Calpain-3-related limb-girdle muscular dystrophy D4; MUSCULAR DYSTROPHY, LIMB-GIRDLE, TYPE 1I. Identifiers: Orphanet 565909, MedGen C4748295, MONDO:0029133, OMIM 618129.

Allele frequency attached by ClinVar (database versions not stated): gnomAD exomes below 0.00001.
gnomAD v4.1: 1 of 1,614,052 alleles (0.000062%); highest among the groups gnomAD compares: Non-Finnish European, 0.000085%; no homozygotes.

Submissions (2):

Labcorp Genetics (formerly Invitae), Labcorp
Classification: Likely pathogenic for Autosomal recessive limb-girdle muscular dystrophy type 2A. Last evaluated: 2024-10-30. Review status: criteria provided, single submitter. Criteria: Invitae Variant Classification Sherloc (09022015). Collection method: clinical testing. Allele origin: germline.
Comment: This sequence change replaces valine, which is neutral and non-polar, with phenylalanine, which is neutral and non-polar, at codon 509 of the CAPN3 protein (p.Val509Phe). RNA analysis indicates that this missense change induces altered splicing and likely results in a shortened protein product. This variant is not present in population databases (gnomAD no frequency). This missense change has been observed in individuals with clinical features of autosomal recessive limb-girdle muscular dystrophy (PMID: 17702496; internal data). This variant is also known as the G nucleotide at the first position of exon 17. ClinVar contains an entry for this variant (Variation ID: 863674). An algorithm developed to predict the effect of missense changes on protein structure and function (PolyPhen-2) suggests that this variant is likely to be disruptive. Studies have shown that this missense change results in skipping of exon 12, but is expected to preserve the integrity of the reading-frame (PMID: 21288883). In summary, the currently available evidence indicates that the variant is pathogenic, but additional data are needed to prove that conclusively. Therefore, this variant has been classified as Likely Pathogenic.

Baylor Genetics
Classification: Likely pathogenic for Muscular dystrophy, limb-girdle, autosomal dominant 4. Last evaluated: 2023-05-22. Review status: criteria provided, single submitter. Criteria: ACMG Guidelines, 2015. Collection method: clinical testing. Allele origin: unknown.

Literature cited by the submitters: PubMed 17702496 (cited by Labcorp Genetics (formerly Invitae), Labcorp); PubMed 21288883 (cited by Labcorp Genetics (formerly Invitae), Labcorp).